The following is an entry in ClinVar:

NM_000135.4(FANCA):c.4T>G (p.Ser2Ala)

Genes: FANCA (FA complementation group A; minus strand), LOC112486223 (Sharpr-MPRA regulatory region 3988; plus strand). Cytogenetic location: 16q24.3.
Variant type: single nucleotide variant.
Coding change: c.4T>G on transcript NM_000135.4 (MANE Select); coding-DNA position 4, T replaced by G.
Protein change: p.Ser2Ala; replaces serine 2 with alanine.
Molecular consequence: missense variant.
Genome position (GRCh38, 1-based): chr16:89,816,612, A>C on the plus strand (T>G on the coding strand, the complement: FANCA is on the minus strand). VCF-style: chr16-89816612-A-C. GRCh37 (hg19) VCF-style: chr16-89883020-A-C.
Other names: c.4T>G, p.Ser2Ala (NM_001018112.3, NM_001286167.3, NM_001351830.2); short protein forms S2A.
Identifiers: ClinVar variation 1403228 (VCV001403228.5), dbSNP rs2041144813, ClinGen allele CA397484660.

ClinVar aggregate classification (germline): Uncertain significance (1 of 4 stars; one submission).

Conditions:
Fanconi anemia (FA). Also called: Fanconi's anemia. Identifiers: Orphanet 84, MedGen C0015625, MeSH D005199, MONDO:0019391.

gnomAD v4.1: 1 of 1,524,800 alleles (0.000066%); highest among the groups gnomAD compares: Non-Finnish European, 0.000087%; no homozygotes.

Submission:

Labcorp Genetics (formerly Invitae), Labcorp
Classification: Uncertain significance for Fanconi anemia. Last evaluated: 2021-08-26. Review status: criteria provided, single submitter. Criteria: Invitae Variant Classification Sherloc (09022015). Collection method: clinical testing. Allele origin: germline.
Comment: This sequence change replaces serine with alanine at codon 2 of the FANCA protein (p.Ser2Ala). The serine residue is weakly conserved and there is a moderate physicochemical difference between serine and alanine. The frequency data for this variant in the population databases is considered unreliable, as metrics indicate insufficient coverage at this position in the ExAC database. This variant has not been reported in the literature in individuals affected with FANCA-related conditions. Algorithms developed to predict the effect of missense changes on protein structure and function output the following: SIFT: "Tolerated"; PolyPhen-2: "Benign"; Align-GVGD: "Class C0". The alanine amino acid residue is found in multiple mammalian species, which suggests that this missense change does not adversely affect protein function. In summary, the available evidence is currently insufficient to determine the role of this variant in disease. Therefore, it has been classified as a Variant of Uncertain Significance.